The following is an entry in ClinVar:

ClinVar aggregate classification (germline): Uncertain significance (1 of 4 stars; one submission).

Submission:

Labcorp Genetics (formerly Invitae), Labcorp
Classification: Uncertain significance. Last evaluated: 2022-01-15. Review status: criteria provided, single submitter. Criteria: Invitae Variant Classification Sherloc (09022015). Collection method: clinical testing. Allele origin: germline.
Comment: This sequence change creates a premature translational stop signal (p.Arg39Aspfs*10) in the DSPP gene. It is expected to result in an absent or disrupted protein product. However, the current clinical and genetic evidence is not sufficient to establish whether loss-of-function variants in DSPP cause disease. In summary, the available evidence is currently insufficient to determine the role of this variant in disease. Therefore, it has been classified as a Variant of Uncertain Significance. This variant has not been reported in the literature in individuals affected with DSPP-related conditions. This variant is not present in population databases (gnomAD no frequency).

NM_014208.3(DSPP):c.115del (p.Arg39fs)

Genes: DMP1-AS1 (DMP1 and DSPP antisense RNA 1; minus strand), DSPP (dentin sialophosphoprotein; plus strand). Cytogenetic location: 4q22.1.
Variant type: Deletion.
Coding change: c.115del on transcript NM_014208.3 (MANE Select); coding-DNA position 115, one base deleted (A; older notation c.115delA).
Protein change: p.Arg39fs; shifts the reading frame from arginine 39.
Molecular consequence: frameshift variant.
Genome position (GRCh38, 1-based): chr4:87,612,168, A deleted; the last of 2 consecutive A bases (chr4:87,612,167-87,612,168); deleting either gives the same sequence. VCF-style (leftmost placement, unchanged base first): chr4-87612166-CA-C. GRCh37 (hg19) VCF-style: chr4-88533318-CA-C.
Other names: short protein forms R39fs.
Identifiers: ClinVar variation 1430198 (VCV001430198.6), dbSNP rs2109995373, ClinGen allele CA2573138371.